The following is an entry in ClinVar:

NM_001385682.1(MAP4):c.399C>T (p.Val133=)

Gene: MAP4 (microtubule associated protein 4; minus strand). Cytogenetic location: 3p21.31.
Variant type: single nucleotide variant.
Coding change: c.399C>T on transcript NM_001385682.1 (MANE Select); coding-DNA position 399, C replaced by T.
Protein change: p.Val133=; no amino-acid change (valine 133 retained).
Molecular consequence: synonymous variant. On other transcripts: intron variant (1).
Genome position (GRCh38, 1-based): chr3:47,928,244, G>A on the plus strand (C>T on the coding strand, the complement: MAP4 is on the minus strand). VCF-style: chr3-47928244-G-A. GRCh37 (hg19) VCF-style: chr3-47969734-G-A.
Other names: c.399C>T, p.Val133= (NM_001134364.2, NM_001384675.1, NM_001384676.1 and 82 more transcripts); c.435C>T, p.Val145= (NM_001384678.1, NM_001384738.1, NM_001384745.1 and 6 more transcripts); c.330C>T, p.Val110= (NM_001384680.1, NM_001384730.1, NM_001384746.1 and 17 more transcripts); c.450C>T, p.Val150= (NM_001384731.1, NM_001384736.1, NM_001384744.1 and 14 more transcripts); c.486C>T, p.Val162= (NM_001384795.1); c.78C>T, p.Val26= (NM_001384839.1, NM_001384845.1, NM_001384862.1 and 1 more transcripts); c.483C>T, p.Val161= (NM_001384849.1, NM_001384863.1); c.293-9403C>T (NM_001384807.1).
Identifiers: ClinVar variation 3055841 (VCV003055841.2), dbSNP rs20565, ClinGen allele CA2371666.

ClinVar aggregate classification (germline): Benign (0 of 4 stars; one submission).

Conditions:
MAP4-related disorder. Also called: MAP4-related condition.

Allele frequency attached by ClinVar (database versions not stated): 1000 Genomes Project 30x 0.09853; 1000 Genomes Project 0.09225; TOPMed 0.10158; ESP Exome Variant Server 0.10495; gnomAD exomes 0.00885; ExAC 0.02865; gnomAD 0.08834.
gnomAD v4.1: 26,959 of 1,613,986 alleles (1.7%); highest among the groups gnomAD compares: African/African-American, 30%; 3,585 homozygotes.

Submission:

PreventionGenetics, part of Exact Sciences
Classification: Benign for MAP4-related condition. Last evaluated: 2019-03-08. Review status: no assertion criteria provided. Collection method: clinical testing. Allele origin: germline.
Comment: This variant is classified as benign based on ACMG/AMP sequence variant interpretation guidelines (Richards et al. 2015 PMID: 25741868, with internal and published modifications).